The following is an entry in ClinVar:

ClinVar aggregate classification (germline): Uncertain significance (1 of 4 stars; one submission).

Conditions:
EP300-related disorder. Also called: EP300-related condition; EP300-related disorders.

Submission:

PreventionGenetics, part of Exact Sciences
Classification: Uncertain significance for EP300-related condition. Last evaluated: 2026-08-25. Review status: criteria provided, single submitter. Criteria: ACMG Guidelines, 2015. Collection method: clinical testing. Allele origin: germline.
Comment: The EP300 c.277C>T variant is predicted to result in the amino acid substitution p.Leu93Phe. To our knowledge, this variant has not been reported in the literature. This variant is reported in 0.012% of alleles in individuals of African descent in gnomAD. Although we suspect that this variant may be benign, at this time, the clinical significance of this variant is uncertain due to the absence of conclusive functional and genetic evidence.

NM_001429.4(EP300):c.277C>T (p.Leu93Phe)

Gene: EP300 (EP300 lysine acetyltransferase; plus strand). Cytogenetic location: 22q13.2.
Variant type: single nucleotide variant.
Coding change: c.277C>T on transcript NM_001429.4 (MANE Select); coding-DNA position 277, C replaced by T.
Protein change: p.Leu93Phe; replaces leucine 93 with phenylalanine.
Molecular consequence: missense variant.
Genome position (GRCh38, 1-based): chr22:41,117,369, C>T. VCF-style: chr22-41117369-C-T. GRCh37 (hg19) VCF-style: chr22-41513373-C-T.
Other names: c.277C>T, p.Leu93Phe (NM_001362843.2); short protein forms L93F.
Identifiers: ClinVar variation 4978505 (VCV004978505.1).